The following is an entry in ClinVar:

ClinVar aggregate classification (germline): Conflicting classifications of pathogenicity. Review status: criteria provided, conflicting classifications (1 of 4 stars). 8 submissions from 8 submitters: Uncertain significance (4); Likely benign (3). 1 of the submissions does not count toward it. Last evaluated 2025-12-30.

Conditions:
Hereditary cancer-predisposing syndrome. Also called: Tumor predisposition; Hereditary Cancer Syndrome; Neoplastic Syndromes, Hereditary; Hereditary neoplastic syndrome. Identifiers: Orphanet 140162, MedGen C0027672, MeSH D009386, MONDO:0015356.
Hereditary breast ovarian cancer syndrome. Also called: Hereditary breast and ovarian cancer; Hereditary breast and/or ovarian cancer syndrome; BRCA1- and BRCA2-Associated Hereditary Breast and Ovarian Cancer; Hereditary breast and ovarian cancer syndrome; Hereditary breast and ovarian cancer syndrome (HBOC); Breast and ovarian cancer. Identifiers: Orphanet 145, MedGen C0677776, MeSH D061325, MONDO:0003582. Disease mechanism: loss of function.
Microcephaly, normal intelligence and immunodeficiency (NBS). Also called: IMMUNODEFICIENCY, MICROCEPHALY, AND CHROMOSOMAL INSTABILITY; SEEMANOVA SYNDROME II; Nijmegen breakage syndrome; Microcephaly with normal intelligence immunodeficiency and lymphoreticular malignancies; Nonsyndromal microcephaly autosomal recessive with normal intelligence; Seemanova syndrome 2. Identifiers: Orphanet 647, MedGen C0398791, MONDO:0009623, OMIM 251260.

Allele frequency attached by ClinVar (database versions not stated): TOPMed below 0.00001; gnomAD 0.00002 and 0.00005; gnomAD exomes 0.00007 and 0.00011; ExAC 0.00011; 1000 Genomes Project 30x 0.00016.
gnomAD v4.1: 109 of 1,614,062 alleles (0.0068%); highest among the groups gnomAD compares: South Asian, 0.09%; no homozygotes.

Submissions (8):

Labcorp Genetics (formerly Invitae), Labcorp
Classification: Likely benign for Microcephaly, normal intelligence and immunodeficiency. Last evaluated: 2025-12-30. Review status: criteria provided, single submitter. Criteria: Invitae Variant Classification Sherloc (09022015). Collection method: clinical testing. Allele origin: germline.

Ambry Genetics
Classification: Likely benign for Hereditary cancer-predisposing syndrome. Last evaluated: 2023-01-30. Review status: criteria provided, single submitter. Criteria: Ambry Variant Classification Scheme 2023. Collection method: clinical testing. Allele origin: germline.

Quest Diagnostics Nichols Institute San Juan Capistrano
Classification: Uncertain significance. Last evaluated: 2022-12-14. Review status: criteria provided, single submitter. Criteria: Quest Diagnostics criteria. Collection method: clinical testing. Allele origin: unknown.
Comment: The frequency of this variant in the general population, 0.00075 (23/30608 chromosomes), is uninformative in assessment of its pathogenicity. In one study in the Japanese population, this variant was observed in 1/12490 male controls, but not among 7051 female and 53 male breast cancer patients or 11241 female controls (PMID: 30287823 (2018)). The variant was also observed in 1/1358 control individuals but not in 57 cases of melanoma with additional primary cancers (PMID: 29641532 (2018)). In a large scale breast cancer association study, this variant was reported in 2/53461 control individuals but not in 60466 women with breast cancer (PMID: 33471991 (2021), see also LOVD). Lastly, the variant was observed in 1/23705 control individuals but not in 1005 cases of pancreatic cancer (PMID: 32980694 (2020)). However since the age of onset and degree of elevated breast cancer risk by the NBN gene is not well defined (PMID: 2625988 (2015)), these reports do not unequivocally support a benign role of this variant. Analysis of this variant using bioinformatics tools for the prediction of the effect of amino acid changes on protein structure and function yielded predictions that this variant is benign. Based on the available information, we are unable to determine the clinical significance of this variant.

GeneDx
Classification: Uncertain significance. Last evaluated: 2022-09-16. Review status: criteria provided, single submitter. Criteria: GeneDx Variant Classification Process June 2021. Collection method: clinical testing. Allele origin: germline. Affected: yes.
Comment: In silico analysis, which includes protein predictors and evolutionary conservation, supports that this variant does not alter protein structure/function; Absent from cases but observed in controls in case-control studies assessing breast cancer, pancreatic cancer, or melanoma risk (Momozawa et al., 2018; Pritchard et al., 2018; Mizukami et al., 2020; Dorling et al., 2021); This variant is associated with the following publications: (PMID: 29641532, 30287823, 32980694, 24894818, 33471991)

Sema4
Classification: Uncertain significance for Hereditary cancer-predisposing syndrome. Last evaluated: 2021-11-10. Review status: criteria provided, single submitter. Criteria: Sema4 Curation Guidelines. Collection method: curation. Allele origin: germline.
Comment: To the best of our knowledge, the NBN c.254A>G (p.N85S) variant has not been reported in individuals with NBN-related disease. It has been reported as heterozygous in control populations from case-control studies evaluating breast cancer, pancreatic cancer, and melanoma (PMID: 30287823, 33471991, 32980694, 29641532). It was observed in 23/30608 chromosomes of the South Asian subpopulation, with no homozygotes, in the large and broad cohorts of the Genome Aggregation Database (PMID: 32461654). The variant has been reported in ClinVar (Variation ID 127868). In silico tools suggest the impact of the variant on protein function is benign, though these predictions have not been confirmed by functional studies. There is no indication that this variant causes disease, but the evidence is insufficient currently to prove that conclusively. Thus, the clinical significance of this variant is currently uncertain.

Genome-Nilou Lab
Classification: Likely benign for Microcephaly, normal intelligence and immunodeficiency. Last evaluated: 2021-11-07. Review status: criteria provided, single submitter. Criteria: ACMG Guidelines, 2015. Collection method: clinical testing. Allele origin: germline. Affected: no.

Department of Pathology and Laboratory Medicine, Sinai Health System
Classification: Uncertain significance for Hereditary breast ovarian cancer syndrome. Last evaluated: 2021-02-03. Review status: criteria provided, single submitter. Criteria: ACMG Guidelines, 2015. Collection method: clinical testing. Allele origin: germline. Affected: yes.

Natera, Inc.
Classification: Uncertain significance for Nijmegen breakage syndrome. Last evaluated: 2020-09-16. Review status: no assertion criteria provided. Collection method: clinical testing. Allele origin: germline. Not counted in ClinVar's aggregate classification.

Literature cited by the submitters: PubMed 29641532 (cited by 3 submitters); PubMed 30287823 (cited by 3 submitters); PubMed 32980694 (cited by Quest Diagnostics Nichols Institute San Juan Capistrano and Sema4); PubMed 33471991 (cited by Quest Diagnostics Nichols Institute San Juan Capistrano and Sema4).

NM_002485.5(NBN):c.254A>G (p.Asn85Ser)

Gene: NBN (nibrin; minus strand). Cytogenetic location: 8q21.3.
Variant type: single nucleotide variant.
Coding change: c.254A>G on transcript NM_002485.5 (MANE Select); coding-DNA position 254, A replaced by G.
Protein change: p.Asn85Ser; replaces asparagine 85 with serine.
Molecular consequence: missense variant.
Genome position (GRCh38, 1-based): chr8:89,981,441, T>C on the plus strand (A>G on the coding strand, the complement: NBN is on the minus strand). VCF-style: chr8-89981441-T-C. GRCh37 (hg19) VCF-style: chr8-90993669-T-C.
Other names: p.N85S:AAT>AGT; c.8A>G, p.Asn3Ser (NM_001024688.3); short protein forms N85S, N3S.
Identifiers: ClinVar variation 127868 (VCV000127868.29), dbSNP rs587780095, ClinGen allele CA287928.